The following is an entry in ClinVar:

NM_004239.4(TRIP11):c.1295C>T (p.Ser432Leu)

Gene: TRIP11 (thyroid hormone receptor interactor 11; minus strand). Cytogenetic location: 14q32.12.
Variant type: single nucleotide variant.
Coding change: c.1295C>T on transcript NM_004239.4 (MANE Select); coding-DNA position 1295, C replaced by T.
Protein change: p.Ser432Leu; replaces serine 432 with leucine.
Molecular consequence: missense variant.
Genome position (GRCh38, 1-based): chr14:92,011,005, G>A on the plus strand (C>T on the coding strand, the complement: TRIP11 is on the minus strand). VCF-style: chr14-92011005-G-A. GRCh37 (hg19) VCF-style: chr14-92477349-G-A.
Other names: c.1292C>T, p.Ser431Leu (NM_001321851.1); short protein forms S431L, S432L.
Identifiers: ClinVar variation 2143019 (VCV002143019.4), dbSNP rs766923679, ClinGen allele CA7313966.

ClinVar aggregate classification (germline): Uncertain significance (1 of 4 stars; one submission).

Conditions:
Achondrogenesis, type IA (ACG1A). Identifiers: Orphanet 932, Orphanet 93299, MedGen C0265273, MONDO:0008701, OMIM 200600.

Allele frequency attached by ClinVar (database versions not stated): ExAC 0.00001; gnomAD 0.00001.
gnomAD v4.1: 6 of 1,613,726 alleles (0.00037%); highest among the groups gnomAD compares: Admixed American, 0.0033%; no homozygotes.

Submission:

Labcorp Genetics (formerly Invitae), Labcorp
Classification: Uncertain significance for Achondrogenesis, type IA. Last evaluated: 2025-07-21. Review status: criteria provided, single submitter. Criteria: Invitae Variant Classification Sherloc (09022015). Collection method: clinical testing. Allele origin: germline.
Comment: This sequence change replaces serine, which is neutral and polar, with leucine, which is neutral and non-polar, at codon 432 of the TRIP11 protein (p.Ser432Leu). This variant is present in population databases (rs766923679, gnomAD 0.006%). This variant has not been reported in the literature in individuals affected with TRIP11-related conditions. ClinVar contains an entry for this variant (Variation ID: 2143019). Invitae Evidence Modeling of protein sequence and biophysical properties (such as structural, functional, and spatial information, amino acid conservation, physicochemical variation, residue mobility, and thermodynamic stability) indicates that this missense variant is not expected to disrupt TRIP11 protein function with a negative predictive value of 80%. In summary, the available evidence is currently insufficient to determine the role of this variant in disease. Therefore, it has been classified as a Variant of Uncertain Significance.